The following is an entry in ClinVar:

NM_001267550.2(TTN):c.94582T>C (p.Ser31528Pro)

Genes: TTN (titin; minus strand), TTN-AS1 (TTN antisense RNA 1; plus strand). Cytogenetic location: 2q31.2.
Variant type: single nucleotide variant.
Coding change: c.94582T>C on transcript NM_001267550.2 (MANE Select); coding-DNA position 94582, T replaced by C.
Protein change: p.Ser31528Pro; replaces serine 31528 with proline.
Molecular consequence: missense variant.
Genome position (GRCh38, 1-based): chr2:178,546,846, A>G on the plus strand (T>C on the coding strand, the complement: TTN is on the minus strand). VCF-style: chr2-178546846-A-G. GRCh37 (hg19) VCF-style: chr2-179411573-A-G.
Other names: c.89659T>C, p.Ser29887Pro (NM_001256850.1); c.67387T>C, p.Ser22463Pro (NM_003319.4); c.86878T>C, p.Ser28960Pro (NM_133378.4); c.67762T>C, p.Ser22588Pro (NM_133432.3); c.67963T>C, p.Ser22655Pro (NM_133437.4); short protein forms S22588P, S28960P, S29887P, S22655P, S31528P, S22463P.
Identifiers: ClinVar variation 1755169 (VCV001755169.2), dbSNP rs2469068753, ClinGen allele CA349472376.

ClinVar aggregate classification (germline): Uncertain significance (1 of 4 stars; one submission).

Conditions:
Cardiovascular phenotype. Identifiers: MedGen CN230736.

Submission:

Ambry Genetics
Classification: Uncertain significance for Cardiovascular phenotype. Last evaluated: 2019-12-20. Review status: criteria provided, single submitter. Criteria: Ambry Variant Classification Scheme 2023. Collection method: clinical testing. Allele origin: germline.
Comment: The p.S22463P variant (also known as c.67387T>C), located in coding exon 168 of the TTN gene, results from a T to C substitution at nucleotide position 67387. The serine at codon 22463 is replaced by proline, an amino acid with similar properties. This amino acid position is not well conserved in available vertebrate species. In addition, the in silico prediction for this alteration is inconclusive. Since supporting evidence is limited at this time, the clinical significance of this alteration remains unclear.